The following is an entry in ClinVar:

NM_001613.4(ACTA2):c.493G>A (p.Val165Ile)

Gene: ACTA2 (actin alpha 2, smooth muscle; minus strand). Cytogenetic location: 10q23.31.
Variant type: single nucleotide variant.
Coding change: c.493G>A on transcript NM_001613.4 (MANE Select); coding-DNA position 493, G replaced by A.
Protein change: p.Val165Ile; replaces valine 165 with isoleucine.
Molecular consequence: missense variant.
Genome position (GRCh38, 1-based): chr10:88,941,352, C>T on the plus strand (G>A on the coding strand, the complement: ACTA2 is on the minus strand). VCF-style: chr10-88941352-C-T. GRCh37 (hg19) VCF-style: chr10-90701109-C-T.
Other names: c.493G>A, p.Val165Ile (NM_001141945.3, NM_001320855.2, NM_001406462.1 and 3 more transcripts); c.382G>A, p.Val128Ile (NM_001406466.1); c.364G>A, p.Val122Ile (NM_001406467.1, NM_001406468.1, NM_001406469.1); short protein forms V122I, V128I, V165I.
Identifiers: ClinVar variation 1714210 (VCV001714210.7), dbSNP rs2494538627, ClinGen allele CA377512304.

ClinVar aggregate classification (germline): Uncertain significance. Review status: criteria provided, multiple submitters, no conflicts (2 of 4 stars). 2 submissions from 2 submitters: Uncertain significance (2). Last evaluated 2025-07-08.

Conditions:
Aortic aneurysm, familial thoracic 6 (AAT6). Also called: FAMILIAL THORACIC AORTIC ANEURYSM WITH LIVEDO RETICULARIS AND IRIS FLOCCULI. Identifiers: MedGen C2673186, MONDO:0012730, OMIM 611788.
Familial thoracic aortic aneurysm and aortic dissection (TAAD). Also called: Thoracic aortic aneurysms and dissections. Identifiers: Orphanet 91387, MedGen C4707243, MONDO:0019625.

Allele frequency attached by ClinVar (database versions not stated): gnomAD exomes below 0.00001.
gnomAD v4.1: 1 of 1,613,888 alleles (0.000062%); highest among the groups gnomAD compares: Non-Finnish European, 0.000085%; no homozygotes.

Submissions (2):

Color Diagnostics, LLC DBA Color Health
Classification: Uncertain significance for Familial thoracic aortic aneurysm and aortic dissection. Last evaluated: 2025-07-08. Review status: criteria provided, single submitter. Criteria: ACMG Guidelines, 2015. Collection method: clinical testing. Allele origin: germline.
Comment: This missense variant replaces valine with isoleucine at codon 165 of the ACTA2 protein. Computational prediction suggests that this variant may have a deleterious impact on protein structure and function. To our knowledge, functional studies have not been reported for this variant. This variant has not been reported in individuals affected with ACTA2-related disorders in the literature. This variant has not been identified in the general population by the Genome Aggregation Database (gnomAD). The available evidence is insufficient to determine the role of this variant in disease conclusively. Therefore, this variant is classified as a Variant of Uncertain Significance.

Labcorp Genetics (formerly Invitae), Labcorp
Classification: Uncertain significance for Aortic aneurysm, familial thoracic 6. Last evaluated: 2024-12-25. Review status: criteria provided, single submitter. Criteria: Invitae Variant Classification Sherloc (09022015). Collection method: clinical testing. Allele origin: germline.
Comment: This sequence change replaces valine, which is neutral and non-polar, with isoleucine, which is neutral and non-polar, at codon 165 of the ACTA2 protein (p.Val165Ile). This variant is not present in population databases (gnomAD no frequency). This variant has not been reported in the literature in individuals affected with ACTA2-related conditions. ClinVar contains an entry for this variant (Variation ID: 1714210). Invitae Evidence Modeling of protein sequence and biophysical properties (such as structural, functional, and spatial information, amino acid conservation, physicochemical variation, residue mobility, and thermodynamic stability) indicates that this missense variant is not expected to disrupt ACTA2 protein function with a negative predictive value of 80%. In summary, the available evidence is currently insufficient to determine the role of this variant in disease. Therefore, it has been classified as a Variant of Uncertain Significance.